The following is an entry in ClinVar:

NM_001130823.3(DNMT1):c.1534G>T (p.Ala512Ser)

Gene: DNMT1 (DNA methyltransferase 1; minus strand). Cytogenetic location: 19p13.2.
Variant type: single nucleotide variant.
Coding change: c.1534G>T on transcript NM_001130823.3 (MANE Select); coding-DNA position 1534, G replaced by T.
Protein change: p.Ala512Ser; replaces alanine 512 with serine.
Molecular consequence: missense variant.
Genome position (GRCh38, 1-based): chr19:10,155,015, C>A on the plus strand (G>T on the coding strand, the complement: DNMT1 is on the minus strand). VCF-style: chr19-10155015-C-A. GRCh37 (hg19) VCF-style: chr19-10265691-C-A.
Other names: c.1534G>T (NM_001130823.2); c.1486G>T, p.Ala496Ser (NM_001318730.2, NM_001379.4); c.1171G>T, p.Ala391Ser (NM_001318731.2); short protein forms A391S, A496S, A512S.
Identifiers: ClinVar variation 841218 (VCV000841218.12), dbSNP rs753794138, ClinGen allele CA9188274.

ClinVar aggregate classification (germline): Conflicting classifications of pathogenicity. Review status: criteria provided, conflicting classifications (1 of 4 stars). 4 submissions from 4 submitters: Uncertain significance (2); Likely benign (2). Last evaluated 2026-08-18.

Conditions:
DNMT1-related disorder. Also called: DNMT1-related condition. Identifiers: MedGen CN381527.
Inborn genetic diseases. Identifiers: MedGen C0950123, MeSH D030342.
Hereditary sensory neuropathy-deafness-dementia syndrome. Also called: Hereditary Sensory and Autonomic Neuropathy Type 1E (HSAN1E); HSN IE; Hereditary sensory neuropathy type IE; NEUROPATHY, HEREDITARY SENSORY, WITH HEARING LOSS AND DEMENTIA. Identifiers: Orphanet 456318, MedGen C3279885, MONDO:0013584, OMIM 614116.

Allele frequency attached by ClinVar (database versions not stated): ExAC 0.00002; gnomAD exomes 0.00004; gnomAD 0.00007; TOPMed 0.00008.
gnomAD v4.1: 201 of 1,614,034 alleles (0.012%); highest among the groups gnomAD compares: Non-Finnish European, 0.016%; no homozygotes.

Submissions (4):

PreventionGenetics, part of Exact Sciences
Classification: Uncertain significance for DNMT1-related condition. Last evaluated: 2026-08-18. Review status: criteria provided, single submitter. Criteria: ACMG Guidelines, 2015. Collection method: clinical testing. Allele origin: germline.
Comment: The DNMT1 c.1534G>T variant is predicted to result in the amino acid substitution p.Ala512Ser. To our knowledge, this variant has not been reported in the literature. This variant is reported in 0.0070% of alleles in individuals of European (Non-Finnish) descent in gnomAD. At this time, the clinical significance of this variant is uncertain due to the absence of conclusive functional and genetic evidence.

Labcorp Genetics (formerly Invitae), Labcorp
Classification: Uncertain significance for Hereditary sensory neuropathy-deafness-dementia syndrome. Last evaluated: 2024-08-13. Review status: criteria provided, single submitter. Criteria: Invitae Variant Classification Sherloc (09022015). Collection method: clinical testing. Allele origin: germline.
Comment: This sequence change replaces alanine, which is neutral and non-polar, with serine, which is neutral and polar, at codon 512 of the DNMT1 protein (p.Ala512Ser). This variant is present in population databases (rs753794138, gnomAD 0.006%). This variant has not been reported in the literature in individuals affected with DNMT1-related conditions. ClinVar contains an entry for this variant (Variation ID: 841218). Invitae Evidence Modeling of protein sequence and biophysical properties (such as structural, functional, and spatial information, amino acid conservation, physicochemical variation, residue mobility, and thermodynamic stability) indicates that this missense variant is not expected to disrupt DNMT1 protein function with a negative predictive value of 80%. In summary, the available evidence is currently insufficient to determine the role of this variant in disease. Therefore, it has been classified as a Variant of Uncertain Significance.

GeneDx
Classification: Likely benign. Last evaluated: 2021-02-03. Review status: criteria provided, single submitter. Criteria: GeneDx Variant Classification Process June 2021. Collection method: clinical testing. Allele origin: germline. Affected: yes.

Ambry Genetics
Classification: Likely benign for Inborn genetic diseases. Last evaluated: 2019-11-04. Review status: criteria provided, single submitter. Criteria: Ambry Variant Classification Scheme 2023. Collection method: clinical testing. Allele origin: germline.